The following is an entry in ClinVar:

NM_014675.5(CROCC):c.5774A>C (p.Gln1925Pro)

Gene: CROCC (ciliary rootlet coiled-coil, rootletin; plus strand). Cytogenetic location: 1p36.13.
Variant type: single nucleotide variant.
Coding change: c.5774A>C on transcript NM_014675.5 (MANE Select); coding-DNA position 5774, A replaced by C.
Protein change: p.Gln1925Pro; replaces glutamine 1925 with proline.
Molecular consequence: missense variant.
Genome position (GRCh38, 1-based): chr1:16,970,757, A>C. VCF-style: chr1-16970757-A-C. GRCh37 (hg19) VCF-style: chr1-17297252-A-C.
Other names: short protein forms Q1925P.
Identifiers: ClinVar variation 2273542 (VCV002273542.26), dbSNP rs140590876, ClinGen allele CA636071.

ClinVar aggregate classification (germline): Conflicting classifications of pathogenicity. Review status: criteria provided, conflicting classifications (1 of 4 stars). 2 submissions from 2 submitters: Uncertain significance (1); Likely benign (1). Last evaluated 2024-02-17.

Allele frequency attached by ClinVar (database versions not stated): ExAC 0.00024; gnomAD 0.00025; TOPMed 0.00025; gnomAD exomes 0.00035; ESP Exome Variant Server 0.00038.
gnomAD v4.1: 537 of 1,589,096 alleles (0.034%); highest among the groups gnomAD compares: Non-Finnish European, 0.043%; no homozygotes.

Submissions (2):

Ambry Genetics
Classification: Uncertain significance. Last evaluated: 2024-02-17. Review status: criteria provided, single submitter. Criteria: Ambry Variant Classification Scheme 2023. Collection method: clinical testing. Allele origin: germline.

CeGaT Center for Human Genetics Tuebingen
Classification: Likely benign. Last evaluated: 2022-03-01. Review status: criteria provided, single submitter. Criteria: CeGaT Center For Human Genetics Tuebingen Variant Classification Criteria Version 2. Collection method: clinical testing. Allele origin: germline. Affected: yes. Observed: 1 variant allele.
Comment: CROCC: BP4, BS2